The following is an entry in ClinVar:

ClinVar aggregate classification (germline): Conflicting classifications of pathogenicity. Review status: criteria provided, conflicting classifications (1 of 4 stars). 2 submissions from 2 submitters: Uncertain significance (1); Likely benign (1). Last evaluated 2024-05-12.

Conditions:
Hereditary cancer-predisposing syndrome. Also called: Hereditary Cancer Syndrome; Hereditary neoplastic syndrome; Neoplastic Syndromes, Hereditary; Tumor predisposition. Identifiers: Orphanet 140162, MedGen C0027672, MeSH D009386, MONDO:0015356.
Pheochromocytoma/paraganglioma syndrome 3. Also called: GLOMUS TUMORS, FAMILIAL, 3; SDHC-Related Hereditary Paraganglioma-Pheochromocytoma Syndrome (Paragangliomas 3); SDHC-Related Hereditary Paraganglioma-Pheochromocytoma Syndrome; Paragangliomas 3. Identifiers: Orphanet 29072, MedGen C1854336, MONDO:0011544, OMIM 605373.
Gastrointestinal stromal tumor. Also called: Gastrointestinal stroma tumor; Gastrointestinal stromal tumor, somatic. Identifiers: Orphanet 44890, MedGen C0238198, MeSH D046152, MONDO:0011719, OMIM 606764, HP:0100723.

Submissions (2):

Ambry Genetics
Classification: Likely benign for Hereditary cancer-predisposing syndrome. Last evaluated: 2024-05-12. Review status: criteria provided, single submitter. Criteria: Ambry Variant Classification Scheme 2023. Collection method: clinical testing. Allele origin: germline.

Labcorp Genetics (formerly Invitae), Labcorp
Classification: Uncertain significance for Pheochromocytoma/paraganglioma syndrome 3; Gastrointestinal stromal tumor. Last evaluated: 2022-03-29. Review status: criteria provided, single submitter. Criteria: Invitae Variant Classification Sherloc (09022015). Collection method: clinical testing. Allele origin: germline.
Comment: In summary, the available evidence is currently insufficient to determine the role of this variant in disease. Therefore, it has been classified as a Variant of Uncertain Significance. Algorithms developed to predict the effect of missense changes on protein structure and function output the following: SIFT: "Tolerated"; PolyPhen-2: "Benign"; Align-GVGD: "Class C0". The threonine amino acid residue is found in multiple mammalian species, which suggests that this missense change does not adversely affect protein function. This variant has not been reported in the literature in individuals affected with SDHC-related conditions. This variant is not present in population databases (gnomAD no frequency). This sequence change replaces isoleucine, which is neutral and non-polar, with threonine, which is neutral and polar, at codon 46 of the SDHC protein (p.Ile46Thr).

NM_003001.5(SDHC):c.137T>C (p.Ile46Thr)

Gene: SDHC (succinate dehydrogenase complex subunit C; plus strand). Cytogenetic location: 1q23.3.
Variant type: single nucleotide variant.
Coding change: c.137T>C on transcript NM_003001.5 (MANE Select); coding-DNA position 137, T replaced by C.
Protein change: p.Ile46Thr; replaces isoleucine 46 with threonine.
Molecular consequence: missense variant. On other transcripts: non-coding transcript variant (1), intron variant (4).
Genome position (GRCh38, 1-based): chr1:161,328,455, T>C. VCF-style: chr1-161328455-T-C. GRCh37 (hg19) VCF-style: chr1-161298245-T-C.
Other names: c.137T>C, p.Ile46Thr (NM_001035511.3, NM_001407115.1); c.80T>C, p.Ile27Thr (NM_001407116.1, NM_001407117.1, NM_001407121.1); c.26T>C, p.Ile9Thr (NM_001407119.1, NM_001407120.1); c.77+4785T>C (NM_001035512.3, NM_001278172.3, NM_001407118.1); c.21-12139T>C (NM_001035513.3); short protein forms I27T, I46T, I9T.
Identifiers: ClinVar variation 2119274 (VCV002119274.5), dbSNP rs2526365022, ClinGen allele CA343361170.